The following is an entry in ClinVar:

ClinVar aggregate classification (germline): Uncertain significance (1 of 4 stars; one submission).

Conditions:
Focal segmental glomerulosclerosis 5 (FSGS5). Identifiers: Orphanet 656, MedGen C2750475, MONDO:0013191, OMIM 613237.
Charcot-Marie-Tooth disease dominant intermediate E. Also called: CHARCOT-MARIE-TOOTH NEUROPATHY WITH FOCAL SEGMENTAL GLOMERULONEPHRITIS. Identifiers: Orphanet 93114, MedGen C4302667, MONDO:0013758, OMIM 614455.

Allele frequency attached by ClinVar (database versions not stated): gnomAD exomes below 0.00001; ExAC 0.00001.
gnomAD v4.1: 1 of 1,601,478 alleles (0.000062%); highest among the groups gnomAD compares: Non-Finnish European, 0.000085%; no homozygotes.

Submission:

Labcorp Genetics (formerly Invitae), Labcorp
Classification: Uncertain significance for Charcot-Marie-Tooth disease dominant intermediate E; Focal segmental glomerulosclerosis 5. Last evaluated: 2017-09-21. Review status: criteria provided, single submitter. Criteria: Invitae Variant Classification Sherloc (09022015). Collection method: clinical testing. Allele origin: germline.
Comment: This sequence change replaces valine with isoleucine at codon 89 of the INF2 protein (p.Val89Ile). The valine residue is moderately conserved and there is a small physicochemical difference between valine and isoleucine. This variant is present in population databases (rs765566674, ExAC 0.002%). This variant has not been reported in the literature in individuals with INF2-related disease. Algorithms developed to predict the effect of missense changes on protein structure and function do not agree on the potential impact of this missense change (SIFT: "Tolerated"; PolyPhen-2: "Probably Damaging"; Align-GVGD: "Class C0"). In summary, the available evidence is currently insufficient to determine the role of this variant in disease. Therefore, it has been classified as a Variant of Uncertain Significance.

NM_022489.4(INF2):c.265G>A (p.Val89Ile)

Gene: INF2 (inverted formin 2; plus strand). Cytogenetic location: 14q32.33.
Variant type: single nucleotide variant.
Coding change: c.265G>A on transcript NM_022489.4 (MANE Select); coding-DNA position 265, G replaced by A.
Protein change: p.Val89Ile; replaces valine 89 with isoleucine.
Molecular consequence: missense variant.
Genome position (GRCh38, 1-based): chr14:104,701,630, G>A. VCF-style: chr14-104701630-G-A. GRCh37 (hg19) VCF-style: chr14-105167967-G-A.
Other names: c.265G>A, p.Val89Ile (NM_001031714.4, NM_032714.3); short protein forms V89I.
Identifiers: ClinVar variation 540051 (VCV000540051.8), dbSNP rs765566674, ClinGen allele CA7372254.